The following is an entry in ClinVar:

ClinVar aggregate classification (germline): Conflicting classifications of pathogenicity. Review status: criteria provided, conflicting classifications (1 of 4 stars). 9 submissions from 9 submitters: Uncertain significance (8); Benign (1). Last evaluated 2025-04-07.

Conditions:
Tuberous sclerosis 2 (TSC2). Identifiers: Orphanet 805, MedGen C1860707, MONDO:0013199, OMIM 613254.
Lymphangiomyomatosis (LAM). Also called: Lymphangioleiomyomatosis; Lymphangioleiomyomatosis, somatic. Identifiers: Orphanet 538, MedGen C0751674, MONDO:0011705, OMIM 606690.
Isolated focal cortical dysplasia type II (FCORD2). Also called: Focal cortical dysplasia type II; CORTICAL DYSPLASIA OF TAYLOR. Identifiers: Orphanet 268994, MedGen C1846385, MONDO:0011818, OMIM 607341, HP:0032051.
Tuberous sclerosis syndrome (TSC). Also called: Tuberous sclerosis; Tuberous Sclerosis Complex. Identifiers: Orphanet 805, MedGen C0041341, MONDO:0001734.
TSC2-related disorder. Also called: TSC2-related condition; TSC2-Related Disorders.
Hereditary cancer-predisposing syndrome. Also called: Hereditary Cancer Syndrome; Tumor predisposition; Neoplastic Syndromes, Hereditary; Hereditary neoplastic syndrome. Identifiers: Orphanet 140162, MedGen C0027672, MeSH D009386, MONDO:0015356.

Allele frequency attached by ClinVar (database versions not stated): gnomAD exomes below 0.00001; TOPMed 0.00001; gnomAD 0.00002.
gnomAD v4.1: 8 of 1,613,248 alleles (0.0005%); highest among the groups gnomAD compares: South Asian, 0.0022%; no homozygotes.

Submissions (9):

Labcorp Genetics (formerly Invitae), Labcorp
Classification: Benign for Tuberous sclerosis 2. Last evaluated: 2025-04-07. Review status: criteria provided, single submitter. Criteria: Invitae Variant Classification Sherloc (09022015). Collection method: clinical testing. Allele origin: germline.

Ambry Genetics
Classification: Uncertain significance for Hereditary cancer-predisposing syndrome. Last evaluated: 2024-05-30. Review status: criteria provided, single submitter. Criteria: Ambry Variant Classification Scheme 2023. Collection method: clinical testing. Allele origin: germline.
Comment: The p.Y643C variant (also known as c.1928A>G), located in coding exon 17 of the TSC2 gene, results from an A to G substitution at nucleotide position 1928. The tyrosine at codon 643 is replaced by cysteine, an amino acid with highly dissimilar properties. This amino acid position is highly conserved in available vertebrate species. In addition, this alteration is predicted to be deleterious by in silico analysis. Since supporting evidence is limited at this time, the clinical significance of this alteration remains unclear.

All of Us Research Program, National Institutes of Health
Classification: Uncertain significance for Tuberous sclerosis syndrome. Last evaluated: 2024-05-14. Review status: criteria provided, single submitter. Criteria: ACMG Guidelines, 2015. Collection method: clinical testing. Allele origin: germline. Inheritance: Autosomal dominant inheritance. Observed: 3 variant alleles, 3 heterozygotes.
Comment: This missense variant replaces tyrosine with cysteine at codon 643 of the TSC2 protein. Computational prediction suggests that this variant may have deleterious impact on protein structure and function (internally defined REVEL score threshold >= 0.7, PMID: 27666373). To our knowledge, functional studies have not been reported for this variant. This variant has not been reported in individuals affected with TSC2-related disorders in the literature. This variant has been identified in 2/281658 chromosomes in the general population by the Genome Aggregation Database (gnomAD). The available evidence is insufficient to determine the role of this variant in disease conclusively. Therefore, this variant is classified as a Variant of Uncertain Significance.

This study involves interpretation of variants in research participants for the purpose of population health screening. Participant phenotype was not available at the time of variant classification. Additional details can be found in publication PMID: 35346344, PMCID: PMC8962531

Color Diagnostics, LLC DBA Color Health
Classification: Uncertain significance for Tuberous sclerosis syndrome. Last evaluated: 2024-02-14. Review status: criteria provided, single submitter. Criteria: ACMG Guidelines, 2015. Collection method: clinical testing. Allele origin: germline.
Comment: This missense variant replaces tyrosine with cysteine at codon 643 of the TSC2 protein. Computational prediction suggests that this variant may have deleterious impact on protein structure and function. To our knowledge, functional studies have not been reported for this variant. This variant has not been reported in individuals affected with TSC2-related disorders in the literature. This variant has been identified in 2/281658 chromosomes in the general population by the Genome Aggregation Database (gnomAD). The available evidence is insufficient to determine the role of this variant in disease conclusively. Therefore, this variant is classified as a Variant of Uncertain Significance.

PreventionGenetics, part of Exact Sciences
Classification: Uncertain significance for TSC2-related condition. Last evaluated: 2023-02-25. Review status: criteria provided, single submitter. Criteria: ACMG Guidelines, 2015. Collection method: clinical testing. Allele origin: germline.
Comment: The TSC2 c.1928A>G variant is predicted to result in the amino acid substitution p.Tyr643Cys. To our knowledge, this variant has not been reported in the literature. This variant is reported in 0.0040% of alleles in individuals of African descent in gnomAD. At this time, the clinical significance of this variant is uncertain due to the absence of conclusive functional and genetic evidence.

GeneDx
Classification: Uncertain significance. Last evaluated: 2022-07-20. Review status: criteria provided, single submitter. Criteria: GeneDx Variant Classification Process June 2021. Collection method: clinical testing. Allele origin: germline. Affected: yes.
Comment: In silico analysis supports that this missense variant has a deleterious effect on protein structure/function; Has not been previously published as pathogenic or benign to our knowledge; Observed in 0.0007% (2/281658 alleles) in large population cohorts (gnomAD)

Fulgent Genetics
Classification: Uncertain significance for Lymphangiomyomatosis; Isolated focal cortical dysplasia type II; Tuberous sclerosis 2. Last evaluated: 2022-03-14. Review status: criteria provided, single submitter. Criteria: ACMG Guidelines, 2015. Collection method: clinical testing. Allele origin: unknown.

Genome-Nilou Lab
Classification: Uncertain significance for Tuberous sclerosis 2. Last evaluated: 2021-11-07. Review status: criteria provided, single submitter. Criteria: ACMG Guidelines, 2015. Collection method: clinical testing. Allele origin: germline. Affected: no.

St. Jude Molecular Pathology, St. Jude Children's Research Hospital
Classification: Uncertain significance for Tuberous sclerosis syndrome. Last evaluated: 2021-05-27. Review status: criteria provided, single submitter. Criteria: St. Jude Assertion Criteria 2020. Collection method: clinical testing. Allele origin: germline.
Comment: The TSC2 c.1928A>G (p.Tyr643Cys) missense change has a maximum subpopulation frequency of 0.0040% in gnomAD v2.1.1 (PM2_Supporting). Seven of seven in silico tools predict a deleterious effect of this variant on protein function (PP3), but to our knowledge these predictions have not been confirmed by functional assays. To our knowledge, this variant has not been reported in individuals with tuberous sclerosis complex. In summary, this variant meets criteria to be classified as of uncertain significance based on the ACMG/AMP criteria: PM2_Supporting, PP3.

NM_000548.5(TSC2):c.1928A>G (p.Tyr643Cys)

Gene: TSC2 (TSC complex subunit 2; plus strand). Cytogenetic location: 16p13.3.
Variant type: single nucleotide variant.
Coding change: c.1928A>G on transcript NM_000548.5 (MANE Select); coding-DNA position 1928, A replaced by G.
Protein change: p.Tyr643Cys; replaces tyrosine 643 with cysteine.
Molecular consequence: missense variant.
Genome position (GRCh38, 1-based): chr16:2,071,598, A>G. VCF-style: chr16-2071598-A-G. GRCh37 (hg19) VCF-style: chr16-2121599-A-G.
Other names: c.1928A>G (NM_000548.4); c.1928A>G, p.Tyr643Cys (NM_001077183.3, NM_001114382.3, NM_001363528.2 and 3 more transcripts); c.1817A>G, p.Tyr606Cys (NM_001318827.2); c.1781A>G, p.Tyr594Cys (NM_001318829.2); c.1328A>G, p.Tyr443Cys (NM_001318831.2); c.1961A>G, p.Tyr654Cys (NM_001318832.2); short protein forms Y443C, Y594C, Y654C, Y606C, Y643C.
Identifiers: ClinVar variation 648631 (VCV000648631.26), dbSNP rs1319342312, ClinGen allele CA394273307.
Genomic context (GRCh38, chr16:2,071,598, plus strand): 5'-CCGACTCACTGCACCGCCTGGGCCTGCCCAACAAGGATGGAGTCGTGCGGTTCAGCCCCT[A>G]CTGCGTCTGCGACTACATGTACGCGGGACCTCGCCCACGGCCCATGAGGCTCAGGGCGTC-3'
Protein context (NP_000539.2, residues 633-653): NKDGVVRFSP[Tyr643Cys]CVCDYMEPER